The following is an entry in ClinVar:

NM_000361.3(THBD):c.1099G>A (p.Asp367Asn)

Gene: THBD (thrombomodulin; minus strand). Cytogenetic location: 20p11.21.
Variant type: single nucleotide variant.
Coding change: c.1099G>A on transcript NM_000361.3 (MANE Select); coding-DNA position 1099, G replaced by A.
Protein change: p.Asp367Asn; replaces aspartic acid 367 with asparagine.
Molecular consequence: missense variant.
Genome position (GRCh38, 1-based): chr20:23,048,406, C>T on the plus strand (G>A on the coding strand, the complement: THBD is on the minus strand). VCF-style: chr20-23048406-C-T. GRCh37 (hg19) VCF-style: chr20-23029043-C-T.
Other names: c.1099G>A (NM_000361.2); short protein forms D367N.
Identifiers: ClinVar variation 1361131 (VCV001361131.9), dbSNP rs2122670083, ClinGen allele CA408406275.

ClinVar aggregate classification (germline): Uncertain significance. Review status: criteria provided, multiple submitters, no conflicts (2 of 4 stars). 2 submissions from 2 submitters: Uncertain significance (2). Last evaluated 2025-08-31.

Conditions:
Inborn genetic diseases. Identifiers: MedGen C0950123, MeSH D030342.

Allele frequency attached by ClinVar (database versions not stated): gnomAD exomes below 0.00001.

Submissions (2):

Ambry Genetics
Classification: Uncertain significance for Inborn genetic diseases. Last evaluated: 2025-08-31. Review status: criteria provided, single submitter. Criteria: Ambry Variant Classification Scheme 2023. Collection method: clinical testing. Allele origin: germline.

Labcorp Genetics (formerly Invitae), Labcorp
Classification: Uncertain significance. Last evaluated: 2021-06-14. Review status: criteria provided, single submitter. Criteria: Invitae Variant Classification Sherloc (09022015). Collection method: clinical testing. Allele origin: germline.
Comment: This variant is not present in population databases (ExAC no frequency). This sequence change replaces aspartic acid with asparagine at codon 367 of the THBD protein (p.Asp367Asn). The aspartic acid residue is moderately conserved and there is a small physicochemical difference between aspartic acid and asparagine. This variant has not been reported in the literature in individuals with THBD-related conditions. Algorithms developed to predict the effect of missense changes on protein structure and function are either unavailable or do not agree on the potential impact of this missense change (SIFT: "Tolerated"; PolyPhen-2: "Probably Damaging"; Align-GVGD: "Class C0"). In summary, the available evidence is currently insufficient to determine the role of this variant in disease. Therefore, it has been classified as a Variant of Uncertain Significance.